The following is an entry in ClinVar:

ClinVar aggregate classification (germline): Pathogenic (1 of 4 stars; one submission).

Conditions:
Facioscapulohumeral muscular dystrophy 2 (FSHD2). Also called: MUSCULAR DYSTROPHY, FACIOSCAPULOHUMERAL, TYPE 1B; FACIOSCAPULOHUMERAL MUSCULAR DYSTROPHY 2, DIGENIC; FSHD2, DIGENIC. Identifiers: Orphanet 269, MedGen C1834671, MONDO:0008031, OMIM 158901.

Submission:

Labcorp Genetics (formerly Invitae), Labcorp
Classification: Pathogenic for Facioscapulohumeral muscular dystrophy 2. Last evaluated: 2022-12-13. Review status: criteria provided, single submitter. Criteria: Invitae Variant Classification Sherloc (09022015). Collection method: clinical testing. Allele origin: germline.
Comment: For these reasons, this variant has been classified as Pathogenic. This variant has not been reported in the literature in individuals affected with SMCHD1-related conditions. This sequence change creates a premature translational stop signal (p.Gln400Argfs*5) in the SMCHD1 gene. It is expected to result in an absent or disrupted protein product. Loss-of-function variants in SMCHD1 are known to be pathogenic (PMID: 23143600). This variant is not present in population databases (gnomAD no frequency).

Literature cited by the submitters: PubMed 23143600.

NM_015295.3(SMCHD1):c.1199del (p.Gln400fs)

Gene: SMCHD1 (structural maintenance of chromosomes flexible hinge domain containing 1; plus strand). Cytogenetic location: 18p11.32.
Variant type: Deletion.
Coding change: c.1199del on transcript NM_015295.3 (MANE Select); coding-DNA position 1199, one base deleted (A; older notation c.1199delA).
Protein change: p.Gln400fs; shifts the reading frame from glutamine 400.
Molecular consequence: frameshift variant.
Genome position (GRCh38, 1-based): chr18:2,697,898, A deleted. VCF-style (leftmost placement, unchanged base first): chr18-2697897-CA-C. GRCh37 (hg19) VCF-style: chr18-2697895-CA-C.
Other names: short protein forms Q400fs.
Identifiers: ClinVar variation 2820513 (VCV002820513.3), dbSNP rs2510021670, ClinGen allele CA2739268520.